The following is an entry in ClinVar:

NM_001369.3(DNAH5):c.4084C>T (p.Gln1362Ter)

Genes: DNAH5 (dynein axonemal heavy chain 5; minus strand), DNAH5-AS1 (DNAH5 antisense RNA 1; plus strand). Cytogenetic location: 5p15.2.
Variant type: single nucleotide variant.
Coding change: c.4084C>T on transcript NM_001369.3 (MANE Select); coding-DNA position 4084, C replaced by T.
Protein change: p.Gln1362Ter; replaces glutamine 1362 with a stop codon.
Molecular consequence: nonsense.
Genome position (GRCh38, 1-based): chr5:13,866,252, G>A on the plus strand (C>T on the coding strand, the complement: DNAH5 is on the minus strand). VCF-style: chr5-13866252-G-A. GRCh37 (hg19) VCF-style: chr5-13866361-G-A.
Other names: short protein forms Q1362*.
Identifiers: ClinVar variation 1075787 (VCV001075787.15), dbSNP rs1210217648, ClinGen allele CA359226371.
Genomic context (GRCh38, chr5:13,866,252, plus strand): 5'-AGAAAGTCATAGAAACTAAAAAGATTACCTGAAACATGATAAGCCTGTCACTGGCTTCCT[G>A]GGGCTTCAAGCCGCTAGCCATTGGACCATTCTGAACAAAAAGTAAAAAAAGAAAAATAGA-3'

ClinVar aggregate classification (germline): Pathogenic. Review status: criteria provided, multiple submitters, no conflicts (2 of 4 stars). 2 submissions from 2 submitters: Pathogenic (2). Last evaluated 2026-02-09.

Conditions:
Primary ciliary dyskinesia 3. Identifiers: Orphanet 244, MedGen C1837618, MONDO:0012085, OMIM 608644.
Primary ciliary dyskinesia. Also called: Ciliary dyskinesia. Identifiers: Orphanet 244, MedGen C0008780, MONDO:0016575, HP:0012265.

gnomAD v4.1: 1 of 1,613,246 alleles (0.000062%); highest among the groups gnomAD compares: South Asian, 0.0011%; no homozygotes.

Submissions (2):

Clinical Genetics and Genomics, Karolinska University Hospital
Classification: Pathogenic for Primary ciliary dyskinesia 3. Last evaluated: 2026-02-09. Review status: criteria provided, single submitter. Criteria: ACMG Guidelines, 2015. Collection method: clinical testing. Allele origin: germline. Inheritance: Autosomal recessive inheritance. Affected: yes.

Labcorp Genetics (formerly Invitae), Labcorp
Classification: Pathogenic for Primary ciliary dyskinesia. Last evaluated: 2021-07-21. Review status: criteria provided, single submitter. Criteria: Invitae Variant Classification Sherloc (09022015). Collection method: clinical testing. Allele origin: germline.
Comment: This variant has not been reported in the literature in individuals with DNAH5-related conditions. For these reasons, this variant has been classified as Pathogenic. Loss-of-function variants in DNAH5 are known to be pathogenic (PMID: 11788826, 16627867). This variant is not present in population databases (ExAC no frequency). This sequence change creates a premature translational stop signal (p.Gln1362*) in the DNAH5 gene. It is expected to result in an absent or disrupted protein product.

Literature cited by the submitters: PubMed 11788826 (cited by Labcorp Genetics (formerly Invitae), Labcorp); PubMed 16627867 (cited by Labcorp Genetics (formerly Invitae), Labcorp).